The following is an entry in ClinVar:

ClinVar aggregate classification (germline): Uncertain significance. Review status: criteria provided, multiple submitters, no conflicts (2 of 4 stars). 3 submissions from 3 submitters: Uncertain significance (2). 1 of the submissions does not count toward it. Last evaluated 2023-04-30.

Conditions:
Microphthalmia with brain and digit anomalies (MCOPS6). Also called: Microphthalmia, syndromic 6; MICROPHTHALMIA AND PITUITARY ANOMALIES. Identifiers: Orphanet 139471, MedGen C1864689, MONDO:0011936, OMIM 607932.
Orofacial cleft 11 (OFC11). Also called: CLEFT LIP WITH OR WITHOUT CLEFT PALATE, NONSYNDROMIC, 11; Orofacial cleft 11; ofc11. Identifiers: MedGen C2677434, MONDO:0010906, OMIM 600625.
BMP4-related disorder. Also called: BMP4-related condition.

Allele frequency attached by ClinVar (database versions not stated): gnomAD exomes below 0.00001; ExAC 0.00002.
gnomAD v4.1: 1 of 1,614,128 alleles (0.000062%); highest among the groups gnomAD compares: Non-Finnish European, 0.000085%; no homozygotes.

Submissions (3):

Labcorp Genetics (formerly Invitae), Labcorp
Classification: Uncertain significance for Microphthalmia with brain and digit anomalies; Orofacial cleft 11. Last evaluated: 2023-04-30. Review status: criteria provided, single submitter. Criteria: Invitae Variant Classification Sherloc (09022015). Collection method: clinical testing. Allele origin: germline.
Comment: This sequence change replaces arginine, which is basic and polar, with cysteine, which is neutral and slightly polar, at codon 310 of the BMP4 protein (p.Arg310Cys). This variant is not present in population databases (gnomAD no frequency). This variant has not been reported in the literature in individuals affected with BMP4-related conditions. ClinVar contains an entry for this variant (Variation ID: 1307713). Advanced modeling of protein sequence and biophysical properties (such as structural, functional, and spatial information, amino acid conservation, physicochemical variation, residue mobility, and thermodynamic stability) performed at Invitae indicates that this missense variant is expected to disrupt BMP4 protein function. In summary, the available evidence is currently insufficient to determine the role of this variant in disease. Therefore, it has been classified as a Variant of Uncertain Significance.

GeneDx
Classification: Uncertain significance. Last evaluated: 2019-08-13. Review status: criteria provided, single submitter. Criteria: GeneDx Variant Classification Process June 2021. Collection method: clinical testing. Allele origin: germline. Affected: yes.
Comment: In silico analysis, which includes protein predictors and evolutionary conservation, supports a deleterious effect; Has not been previously published as pathogenic or benign to our knowledge

PreventionGenetics, part of Exact Sciences
Classification: Likely pathogenic for BMP4-related condition. Last evaluated: 2024-09-26. Review status: no assertion criteria provided. Collection method: clinical testing. Allele origin: germline. Not counted in ClinVar's aggregate classification.
Comment: The BMP4 c.928C>T variant is predicted to result in the amino acid substitution p.Arg310Cys. To our knowledge, this variant has not been reported in the literature or in a large population database, indicating this variant is rare. De novo variants have been reported in individuals with BMP4-related disorders (Tenenbaum-Rakover et al. 2021. PubMed ID: 34009138; Rodríguez-Contreras et al. 2019. PubMed ID: 31120642; Blackburn et al. 2019. PubMed ID: 31053785). This variant is interpreted as likely pathogenic.

NM_001202.6(BMP4):c.928C>T (p.Arg310Cys)

Gene: BMP4 (bone morphogenetic protein 4; minus strand). Cytogenetic location: 14q22.2.
Variant type: single nucleotide variant.
Coding change: c.928C>T on transcript NM_001202.6 (MANE Select); coding-DNA position 928, C replaced by T.
Protein change: p.Arg310Cys; replaces arginine 310 with cysteine.
Molecular consequence: missense variant.
Genome position (GRCh38, 1-based): chr14:53,950,331, G>A on the plus strand (C>T on the coding strand, the complement: BMP4 is on the minus strand). VCF-style: chr14-53950331-G-A. GRCh37 (hg19) VCF-style: chr14-54417049-G-A.
Other names: c.928C>T (NM_001202.5); c.1069C>T, p.Arg357Cys (NM_001347912.1); c.739C>T, p.Arg247Cys (NM_001347913.2, NM_001347915.2, NM_001347917.1); c.928C>T, p.Arg310Cys (NM_001347914.2, NM_001347916.1, NM_130850.5 and 1 more transcripts); short protein forms R247C, R310C, R357C.
Identifiers: ClinVar variation 1307713 (VCV001307713.7), dbSNP rs770777693, ClinGen allele CA7191643.